The following is an entry in ClinVar:

NM_000038.6(APC):c.4614_4619del (p.Ser1539_Glu1540del)

Gene: APC (APC regulator of Wnt signaling pathway; plus strand). Cytogenetic location: 5q22.2.
Variant type: Deletion.
Coding change: c.4614_4619del on transcript NM_000038.6 (MANE Select); coding-DNA positions 4614 to 4619, 6 bases deleted (ATCAGA; older notation c.4614_4619delATCAGA).
Protein change: p.Ser1539_Glu1540del.
Molecular consequence: inframe deletion.
Genome position (GRCh38, 1-based): chr5:112,840,208-112,840,213, ATCAGA deleted; deleting any 6 consecutive bases within chr5:112,840,204-112,840,213 gives the same sequence; the c. name uses the placement nearest the transcript's 3' end. VCF-style (leftmost placement, unchanged base first): chr5-112840203-ACAGAAT-A. GRCh37 (hg19) VCF-style: chr5-112175900-ACAGAAT-A.
Other names: c.4614_4619del, p.Ser1539_Glu1540del (NM_001127510.3, NM_001354895.2); c.4560_4565del, p.Ser1521_Glu1522del (NM_001127511.3); c.4668_4673del, p.Ser1557_Glu1558del (NM_001354896.2); c.4644_4649del, p.Ser1549_Glu1550del (NM_001354897.2); c.4539_4544del, p.Ser1514_Glu1515del (NM_001354898.2); c.4530_4535del, p.Ser1511_Glu1512del (NM_001354899.2); c.4491_4496del, p.Ser1498_Glu1499del (NM_001354900.2); c.4437_4442del, p.Ser1480_Glu1481del (NM_001354901.2); and 6 more.
Identifiers: ClinVar variation 489455 (VCV000489455.22), dbSNP rs767417584, ClinGen allele CA3368167.

ClinVar aggregate classification (germline): Uncertain significance. Review status: criteria provided, multiple submitters, no conflicts (2 of 4 stars). 5 submissions from 5 submitters: Uncertain significance (5). Last evaluated 2025-01-17.

Conditions:
Familial adenomatous polyposis 1 (FAP1). Also called: POLYPOSIS, ADENOMATOUS INTESTINAL; FAMILIAL ADENOMATOUS POLYPOSIS 1, ATTENUATED. Identifiers: MedGen C2713442, MONDO:0021056, OMIM 175100. Disease mechanism: loss of function.
Hereditary cancer-predisposing syndrome. Also called: Hereditary Cancer Syndrome; Neoplastic Syndromes, Hereditary; Tumor predisposition; Hereditary neoplastic syndrome. Identifiers: Orphanet 140162, MedGen C0027672, MeSH D009386, MONDO:0015356.

Submissions (5):

GeneDx
Classification: Uncertain significance. Last evaluated: 2025-01-17. Review status: criteria provided, single submitter. Criteria: GeneDx Variant Classification Process June 2021. Collection method: clinical testing. Allele origin: germline. Affected: yes.
Comment: Not observed at significant frequency in large population cohorts (gnomAD); In-frame deletion of 2 amino acid(s) in a non-repeat region; In silico analysis indicates that this variant does not alter protein structure/function; Has not been previously published as pathogenic or benign to our knowledge; This variant is associated with the following publications: (PMID: 18199528)

Labcorp Genetics (formerly Invitae), Labcorp
Classification: Uncertain significance for Familial adenomatous polyposis 1. Last evaluated: 2023-10-13. Review status: criteria provided, single submitter. Criteria: Invitae Variant Classification Sherloc (09022015). Collection method: clinical testing. Allele origin: germline.
Comment: This variant, c.4614_4619del, results in the deletion of 2 amino acid(s) of the APC protein (p.Ser1539_Glu1540del), but otherwise preserves the integrity of the reading frame. This variant is present in population databases (rs767417584, gnomAD 0.004%). This variant has not been reported in the literature in individuals affected with APC-related conditions. ClinVar contains an entry for this variant (Variation ID: 489455). Experimental studies and prediction algorithms are not available or were not evaluated, and the functional significance of this variant is currently unknown. In summary, the available evidence is currently insufficient to determine the role of this variant in disease. Therefore, it has been classified as a Variant of Uncertain Significance.

Ambry Genetics
Classification: Uncertain significance for Hereditary cancer-predisposing syndrome. Last evaluated: 2021-05-06. Review status: criteria provided, single submitter. Criteria: Ambry Variant Classification Scheme 2023. Collection method: clinical testing. Allele origin: germline.
Comment: The c.4614_4619delATCAGA variant (also known as p.S1539_E1540del) is located in coding exon 15 of the APC gene. This variant results from an in-frame ATCAGA deletion at nucleotide positions 4614 to 4619. This results in the in-frame deletion of a at codon 1539. This amino acid region is not well conserved in available vertebrate species. In addition, this alteration is predicted to be neutral by in silico analysis (Choi Y et al. PLoS ONE. 2012; 7(10):e46688). Since supporting evidence is limited at this time, the clinical significance of this alteration remains unclear.

Color Diagnostics, LLC DBA Color Health
Classification: Uncertain significance for Hereditary cancer-predisposing syndrome. Last evaluated: 2020-03-13. Review status: criteria provided, single submitter. Criteria: ACMG Guidelines, 2015. Collection method: clinical testing. Allele origin: germline.
Comment: This variant causes an in-frame deletion of 2 amino acids at exon 15 of the of the APC protein. Splice site prediction tools suggest that this variant may not impact RNA splicing. To our knowledge, functional studies have not been reported for this variant. This variant has not been reported in individuals affected with hereditary cancer in the literature. This variant has been identified in 1/250238 chromosomes in the general population by the Genome Aggregation Database (gnomAD). The available evidence is insufficient to determine the role of this variant in disease conclusively. Therefore, this variant is classified as a Variant of Uncertain Significance.

Breakthrough Genomics
Classification: Uncertain significance. Review status: criteria provided, single submitter. Criteria: ACMG Guidelines, 2015. Collection method: not provided. Allele origin: germline. Inheritance: Autosomal dominant inheritance. Affected: yes.